The following is an entry in ClinVar:

ClinVar aggregate classification (germline): Likely pathogenic. Review status: criteria provided, multiple submitters, no conflicts (2 of 4 stars). 3 submissions from 3 submitters: Likely pathogenic (2). 1 of the submissions does not count toward it. Last evaluated 2024-11-04.

Conditions:
Spinal muscular atrophy, distal, autosomal recessive, 6 (HMNR6). Also called: NEURONOPATHY, DISTAL HEREDITARY MOTOR, AUTOSOMAL RECESSIVE 6; NEUROPATHY, DISTAL HEREDITARY MOTOR, AUTOSOMAL RECESSIVE 6. Identifiers: MedGen C5774201, MONDO:0859279, OMIM 620011.
Neuronopathy, distal hereditary motor, type 5B. Also called: HMN VB; DHMN VB; NEURONOPATHY, DISTAL HEREDITARY MOTOR, HARDING TYPE VB; NEUROPATHY, DISTAL HEREDITARY MOTOR, HARDING TYPE VB; SPINAL MUSCULAR ATROPHY, DISTAL, HARDING TYPE VB. Identifiers: Orphanet 139536, MedGen C3553656, MONDO:0013884, OMIM 614751.
Hereditary spastic paraplegia 31. Also called: SPASTIC PARAPLEGIA 31, AUTOSOMAL DOMINANT. Identifiers: Orphanet 101011, MedGen C1853247, MONDO:0012453, OMIM 610250.

Submissions (3):

Human Genetics Bochum, Ruhr University Bochum
Classification: Likely pathogenic for Hereditary spastic paraplegia 31; Neuronopathy, distal hereditary motor, type 5B. Last evaluated: 2024-11-04. Review status: criteria provided, single submitter. Criteria: ACMG Guidelines, 2015. Collection method: clinical testing. Allele origin: germline. Affected: yes.
Comment: ACMG criteria used to clasify this variant: PVS1, PM1, PM2_SUP

Laboratory of Applied Genomics, Kongju National University
Classification: Likely pathogenic for Neuronopathy, distal hereditary motor, type 5B. Last evaluated: 2020-11-01. Review status: criteria provided, single submitter. Criteria: ACMG Guidelines, 2015. Collection method: clinical testing. Allele origin: germline. Affected: yes.
Comment: Recessive condition

OMIM
Classification: Pathogenic for NEURONOPATHY, DISTAL HEREDITARY MOTOR, AUTOSOMAL RECESSIVE 6. Last evaluated: 2023-10-17. Review status: no assertion criteria provided. Collection method: literature only. Allele origin: germline. Not counted in ClinVar's aggregate classification.

Literature cited by the submitters: PubMed 34193129 (cited by OMIM).

NM_001371279.1(REEP1):c.248del (p.Gly83fs)

Gene: REEP1 (receptor accessory protein 1; minus strand). Cytogenetic location: 2p11.2.
Variant type: Deletion.
Coding change: c.248del on transcript NM_001371279.1 (MANE Select); coding-DNA position 248, one base deleted (G; older notation c.248delG).
Protein change: p.Gly83fs; shifts the reading frame from glycine 83.
Molecular consequence: frameshift variant. On other transcripts: intron variant (1).
Genome position (GRCh38, 1-based): chr2:86,254,749, C deleted on the plus strand (G on the coding strand, the reverse complement: REEP1 is on the minus strand); the first of 2 consecutive C bases (chr2:86,254,749-86,254,750); deleting either gives the same sequence. VCF-style (leftmost placement, unchanged base first): chr2-86254748-GC-G. GRCh37 (hg19) VCF-style: chr2-86481871-GC-G.
Other names: c.269del, p.Gly90fs (NM_001164730.2); c.167del, p.Gly56fs (NM_001164731.2); c.248del, p.Gly83fs (NM_001371280.1, NM_022912.3); c.182+9216del (NM_001164732.2); c.247delG (NM_022912.3); short protein forms G56fs, G83fs, G90fs.
Identifiers: ClinVar variation 1172760 (VCV001172760.4), dbSNP rs2104244539, ClinGen allele CA2499216289.